The following is an entry in ClinVar:

NM_032242.4(PLXNA1):c.2269G>A (p.Ala757Thr)

Gene: PLXNA1 (plexin A1; plus strand). Cytogenetic location: 3q21.3.
Variant type: single nucleotide variant.
Coding change: c.2269G>A on transcript NM_032242.4 (MANE Select); coding-DNA position 2269, G replaced by A.
Protein change: p.Ala757Thr; replaces alanine 757 with threonine.
Molecular consequence: missense variant.
Genome position (GRCh38, 1-based): chr3:127,012,114, G>A. VCF-style: chr3-127012114-G-A. GRCh37 (hg19) VCF-style: chr3-126730957-G-A.
Other names: short protein forms A757T.
Identifiers: ClinVar variation 3356764 (VCV003356764.1).
Genomic context (GRCh38, chr3:127,012,114, plus strand): 5'-TCAGGCCAGCGTGGATATGAGTGCCTCTTCCACATCCCGGGCAGCCCGGCCCGTGTCACC[G>A]CCCTGCGCTTCAACAGCTCCAGCCTGCAGTGCCAGAATTCCTCGGTGAGGTGGCCAGGGC-3'
Protein context (NP_115618.3, residues 747-767): HIPGSPARVT[Ala757Thr]LRFNSSSLQC

ClinVar aggregate classification (germline): Uncertain significance (0 of 4 stars; one submission).

Conditions:
PLXNA1-related disorder. Also called: PLXNA1-related condition.

gnomAD v4.1: 7 of 1,613,240 alleles (0.00043%); highest among the groups gnomAD compares: South Asian, 0.0022%; no homozygotes.

Submission:

PreventionGenetics, part of Exact Sciences
Classification: Uncertain significance for PLXNA1-related condition. Last evaluated: 2023-12-26. Review status: no assertion criteria provided. Collection method: clinical testing. Allele origin: germline.
Comment: The PLXNA1 c.2269G>A variant is predicted to result in the amino acid substitution p.Ala757Thr. To our knowledge, this variant has not been reported in the literature. This variant is reported in 0.0033% of alleles in individuals of South Asian descent in gnomAD. At this time, the clinical significance of this variant is uncertain due to the absence of conclusive functional and genetic evidence.